The following is an entry in ClinVar:

ClinVar aggregate classification (germline): Pathogenic. Review status: criteria provided, multiple submitters, no conflicts (2 of 4 stars). 2 submissions from 2 submitters: Pathogenic (2). Last evaluated 2024-02-10.

Conditions:
PDE6B-related disorder. Also called: PDE6B-related disorders; PDE6B-related disease; PDE6B-related condition.

Submissions (2):

Labcorp Genetics (formerly Invitae), Labcorp
Classification: Pathogenic. Last evaluated: 2024-02-10. Review status: criteria provided, single submitter. Criteria: Invitae Variant Classification Sherloc (09022015). Collection method: clinical testing. Allele origin: germline.
Comment: This sequence change replaces glutamic acid, which is acidic and polar, with aspartic acid, which is acidic and polar, at codon 538 of the PDE6B protein (p.Glu538Asp). This variant also falls at the last nucleotide of exon 12, which is part of the consensus splice site for this exon. This variant is not present in population databases (gnomAD no frequency). This missense change has been observed in individual(s) with rod-cone dystrophy (PMID: 30998820). In at least one individual the data is consistent with being in trans (on the opposite chromosome) from a pathogenic variant. An algorithm developed to predict the effect of missense changes on protein structure and function (PolyPhen-2) suggests that this variant is likely to be tolerated. Variants that disrupt the consensus splice site are a relatively common cause of aberrant splicing (PMID: 17576681, 9536098). Algorithms developed to predict the effect of sequence changes on RNA splicing suggest that this variant may disrupt the consensus splice site. For these reasons, this variant has been classified as Pathogenic.

Blueprint Genetics
Classification: Pathogenic for PDE6B-related disorders. Last evaluated: 2020-03-26. Review status: criteria provided, single submitter. Criteria: ACMG Guidelines, 2015. Collection method: clinical testing. Allele origin: germline. Affected: yes. Observed: 1 variant allele.

Literature cited by the submitters: PubMed 30998820 (cited by Labcorp Genetics (formerly Invitae), Labcorp); PubMed 17576681 (cited by Labcorp Genetics (formerly Invitae), Labcorp); PubMed 9536098 (cited by Labcorp Genetics (formerly Invitae), Labcorp).

NM_000283.4(PDE6B):c.1614G>C (p.Glu538Asp)

Gene: PDE6B (phosphodiesterase 6B; plus strand). Cytogenetic location: 4p16.3.
Variant type: single nucleotide variant.
Coding change: c.1614G>C on transcript NM_000283.4 (MANE Select); coding-DNA position 1614, G replaced by C.
Protein change: p.Glu538Asp; replaces glutamic acid 538 with aspartic acid.
Molecular consequence: missense variant.
Genome position (GRCh38, 1-based): chr4:660,613, G>C. VCF-style: chr4-660613-G-C. GRCh37 (hg19) VCF-style: chr4-654402-G-C.
Other names: c.1614G>C, p.Glu538Asp (NM_001145291.2); c.777G>C, p.Glu259Asp (NM_001145292.2, NM_001350154.3, NM_001379246.1 and 1 more transcripts); c.459G>C, p.Glu153Asp (NM_001350155.3); short protein forms E538D, E153D, E259D.
Identifiers: ClinVar variation 3718606 (VCV003718606.3).
Genomic context (GRCh38, chr4:660,613, plus strand): 5'-ATGTGGCATCCAGATGTACTACGAGCTGGGCGTGGTCCGAAAGTTCCAGATCCCCCAGGA[G>C]GTGGGAGACACCGCAGGGCGCATAGTCAGGTCCCTGAGGCCGCCCAGGACATGGGGGTGG-3'
Protein context (NP_000274.3, residues 528-548): GVVRKFQIPQ[Glu538Asp]VLVRFLFSIS